The following is an entry in ClinVar:

NM_033380.3(COL4A5):c.3817G>T (p.Gly1273Cys)

Gene: COL4A5 (collagen type IV alpha 5 chain; plus strand). Cytogenetic location: Xq22.3.
Variant type: single nucleotide variant.
Coding change: c.3817G>T on transcript NM_033380.3 (MANE Select); coding-DNA position 3817, G replaced by T.
Protein change: p.Gly1273Cys; replaces glycine 1273 with cysteine.
Molecular consequence: missense variant.
Genome position (GRCh38, 1-based): chrX:108,677,508, G>T. VCF-style: chrX-108677508-G-T. GRCh37 (hg19) VCF-style: chrX-107920738-G-T.
Other names: c.3799G>T, p.Gly1267Cys (NM_000495.5); short protein forms G1267C, G1273C.
Identifiers: ClinVar variation 3907664 (VCV003907664.1).
Genomic context (GRCh38, chrX:108,677,508, plus strand): 5'-TGCTACTCTTAACACTATACTGAAATGTCGTCATTTGCTGTGGATTATTAAGGTCTACCA[G>T]GTCCAGAAGGTCCTCCAGGTCTCCCTGGAAATGGAGGTATTAAAGGAGAGAAGGGAAATC-3'
Protein context (NP_203699.1, residues 1263-1283): PGPTGFQGLP[Gly1273Cys]PEGPPGLPGN

ClinVar aggregate classification (germline): Likely pathogenic (1 of 4 stars; one submission).

Conditions:
X-linked Alport syndrome (ATS1). Also called: COL4A5-Related Nephropathy; NEPHROPATHY AND DEAFNESS, X-LINKED. Identifiers: Orphanet 63, Orphanet 88917, MedGen C4746986, MONDO:0010520, OMIM 301050.

Submission:

MVZ Medizinische Genetik Mainz
Classification: Likely pathogenic for X-linked Alport syndrome. Last evaluated: 2025-06-03. Review status: criteria provided, single submitter. Criteria: UK Practice Guidelines For Variant Classification V4 01 2020. Collection method: clinical testing. Allele origin: germline. Inheritance: X-linked dominant inheritance. Affected: yes. Observed: 1 variant allele.
Comment: ACMG Criteria: PM1_STR,PM2_SUP,PM5_SUP,PP3,PP4